The following is an entry in ClinVar:

ClinVar aggregate classification (germline): Uncertain significance (1 of 4 stars; one submission).

gnomAD v4.1: 5 of 1,614,014 alleles (0.00031%); highest among the groups gnomAD compares: Non-Finnish European, 0.00042%; no homozygotes.

Submission:

Labcorp Genetics (formerly Invitae), Labcorp
Classification: Uncertain significance. Last evaluated: 2025-04-19. Review status: criteria provided, single submitter. Criteria: Invitae Variant Classification Sherloc (09022015). Collection method: clinical testing. Allele origin: germline.
Comment: This sequence change replaces proline, which is neutral and non-polar, with serine, which is neutral and polar, at codon 153 of the COL9A2 protein (p.Pro153Ser). This variant is not present in population databases (gnomAD no frequency). This variant has not been reported in the literature in individuals affected with COL9A2-related conditions. Invitae Evidence Modeling of protein sequence and biophysical properties (such as structural, functional, and spatial information, amino acid conservation, physicochemical variation, residue mobility, and thermodynamic stability) indicates that this missense variant is not expected to disrupt COL9A2 protein function with a negative predictive value of 95%. In summary, the available evidence is currently insufficient to determine the role of this variant in disease. Therefore, it has been classified as a Variant of Uncertain Significance.

NM_001852.4(COL9A2):c.457C>T (p.Pro153Ser)

Gene: COL9A2 (collagen type IX alpha 2 chain; minus strand). Cytogenetic location: 1p34.2.
Variant type: single nucleotide variant.
Coding change: c.457C>T on transcript NM_001852.4 (MANE Select); coding-DNA position 457, C replaced by T.
Protein change: p.Pro153Ser; replaces proline 153 with serine.
Molecular consequence: missense variant.
Genome position (GRCh38, 1-based): chr1:40,311,676, G>A on the plus strand (C>T on the coding strand, the complement: COL9A2 is on the minus strand). VCF-style: chr1-40311676-G-A. GRCh37 (hg19) VCF-style: chr1-40777348-G-A.
Other names: short protein forms P153S.
Identifiers: ClinVar variation 4748541 (VCV004748541.1).